The following is an entry in ClinVar:

NC_000017.11:g.(?_58720740)_(58720818_?)del

Gene: RAD51C (RAD51 paralog C; plus strand). Cytogenetic location: 17q22.
Variant type: Deletion.
Identifiers: ClinVar variation 538800 (VCV000538800.1).

ClinVar aggregate classification (germline): Pathogenic (1 of 4 stars; one submission).

Conditions:
Fanconi anemia complementation group O. Also called: RAD51C-Related Fanconi Anemia. Identifiers: Orphanet 84, MedGen C3150653, MONDO:0013248, OMIM 613390.

Submission:

Labcorp Genetics (formerly Invitae), Labcorp
Classification: Pathogenic for Fanconi anemia complementation group O. Last evaluated: 2017-10-03. Review status: criteria provided, single submitter. Criteria: Invitae Variant Classification Sherloc (09022015). Collection method: clinical testing. Allele origin: germline.
Comment: This variant is an out-of-frame deletion of the genomic region encompassing exon 6 of the RAD51C gene. This is expected to create a premature translational stop signal and result in an absent or disrupted protein product. This variant has not been reported in the literature in individuals with RAD51C-related disease. Loss-of-function variants in RAD51C are known to be pathogenic (PMID: 20400964, 21990120, 24800917). For these reasons, this variant has been classified as Pathogenic.